The following is an entry in ClinVar:

ClinVar aggregate classification (germline): Uncertain significance (1 of 4 stars; one submission).

Conditions:
Hereditary cancer-predisposing syndrome. Also called: Neoplastic Syndromes, Hereditary; Tumor predisposition; Hereditary Cancer Syndrome; Hereditary neoplastic syndrome. Identifiers: Orphanet 140162, MedGen C0027672, MeSH D009386, MONDO:0015356.

Submission:

Ambry Genetics
Classification: Uncertain significance for Hereditary cancer-predisposing syndrome. Last evaluated: 2026-02-23. Review status: criteria provided, single submitter. Criteria: Ambry Variant Classification Scheme 2023. Collection method: clinical testing. Allele origin: germline.
Comment: The p.N1157Y variant (also known as c.3469A>T), located in coding exon 21 of the TSC1 gene, results from an A to T substitution at nucleotide position 3469. The asparagine at codon 1157 is replaced by tyrosine, an amino acid with dissimilar properties. This amino acid position is conserved. In addition, this alteration is predicted to be deleterious by in silico analysis. Based on the available evidence, the clinical significance of this variant remains unclear.

NM_000368.5(TSC1):c.3469A>T (p.Asn1157Tyr)

Gene: TSC1 (TSC complex subunit 1; minus strand). Cytogenetic location: 9q34.13.
Variant type: single nucleotide variant.
Coding change: c.3469A>T on transcript NM_000368.5 (MANE Select); coding-DNA position 3469, A replaced by T.
Protein change: p.Asn1157Tyr; replaces asparagine 1157 with tyrosine.
Molecular consequence: missense variant. On other transcripts: non-coding transcript variant (5).
Genome position (GRCh38, 1-based): chr9:132,896,261, T>A on the plus strand (A>T on the coding strand, the complement: TSC1 is on the minus strand). VCF-style: chr9-132896261-T-A. GRCh37 (hg19) VCF-style: chr9-135771648-T-A.
Other names: c.3466A>T, p.Asn1156Tyr (NM_001162426.2, NM_001406597.1, NM_001406598.1 and 2 more transcripts); c.3316A>T, p.Asn1106Tyr (NM_001162427.2, NM_001406610.1); c.3454A>T, p.Asn1152Tyr (NM_001406601.1, NM_001406602.1); c.3451A>T, p.Asn1151Tyr (NM_001406603.1, NM_001406604.1); c.3427A>T, p.Asn1143Tyr (NM_001406605.1, NM_001406606.1, NM_001406607.1); c.3424A>T, p.Asn1142Tyr (NM_001406608.1, NM_001406609.1); c.3313A>T, p.Asn1105Tyr (NM_001406611.1, NM_001406612.1); c.3271A>T, p.Asn1091Tyr (NM_001406613.1); and 8 more; short protein forms N1022Y, N1105Y, N1143Y, N1152Y, N1157Y, N806Y, N839Y, N1021Y.
Identifiers: ClinVar variation 4825794 (VCV004825794.1).